The following is an entry in ClinVar:

ClinVar aggregate classification (germline): Conflicting classifications of pathogenicity. Review status: criteria provided, conflicting classifications (1 of 4 stars). 2 submissions from 2 submitters: Uncertain significance (1); Likely benign (1). Last evaluated 2021-06-30.

Conditions:
Inborn genetic diseases. Identifiers: MedGen C0950123, MeSH D030342.
Dyskeratosis congenita, autosomal dominant 6 (DKCA6). Identifiers: Orphanet 3322, MedGen C4225284, MONDO:0014690, OMIM 616553.

Allele frequency attached by ClinVar (database versions not stated): ExAC 0.00001; gnomAD exomes below 0.00001 and 0.00001; gnomAD 0.00001.

Submissions (2):

Ambry Genetics
Classification: Likely benign for Inborn genetic diseases. Last evaluated: 2021-06-30. Review status: criteria provided, single submitter. Criteria: Ambry Variant Classification Scheme 2023. Collection method: clinical testing. Allele origin: germline.

Labcorp Genetics (formerly Invitae), Labcorp
Classification: Uncertain significance for Dyskeratosis congenita, autosomal dominant 6. Last evaluated: 2021-01-13. Review status: criteria provided, single submitter. Criteria: Invitae Variant Classification Sherloc (09022015). Collection method: clinical testing. Allele origin: germline.
Comment: In summary, the available evidence is currently insufficient to determine the role of this variant in disease. Therefore, it has been classified as a Variant of Uncertain Significance. Algorithms developed to predict the effect of missense changes on protein structure and function output the following: SIFT: "Tolerated"; PolyPhen-2: "Benign"; Align-GVGD: "Class C0". The serine amino acid residue is found in multiple mammalian species, suggesting that this missense change does not adversely affect protein function. These predictions have not been confirmed by published functional studies and their clinical significance is uncertain. This variant has not been reported in the literature in individuals with ACD-related conditions. This variant is present in population databases (rs776842448, ExAC 0.002%). This sequence change replaces proline with serine at codon 33 of the ACD protein (p.Pro33Ser). The proline residue is weakly conserved and there is a moderate physicochemical difference between proline and serine.

NC_000016.10:g.67660382G>A

Genes: ACD (ACD shelterin complex subunit and telomerase recruitment factor; minus strand), LOC130059224 (ATAC-STARR-seq lymphoblastoid silent region 7617; plus strand). Cytogenetic location: 16q22.1.
Variant type: single nucleotide variant.
Genome position: GRCh38 VCF-style: chr16-67660382-G-A. GRCh37 (hg19) VCF-style: chr16-67694285-G-A.
Other names: short protein forms P33S.
Identifiers: ClinVar variation 1439799 (VCV001439799.9), dbSNP rs776842448, ClinGen allele CA8114912.